The following is an entry in ClinVar:

NM_020964.3(EPG5):c.3487C>A (p.Gln1163Lys)

Gene: EPG5 (ectopic P-granules 5 autophagy tethering factor; minus strand). Cytogenetic location: 18q21.1.
Variant type: single nucleotide variant.
Coding change: c.3487C>A on transcript NM_020964.3 (MANE Select); coding-DNA position 3487, C replaced by A.
Protein change: p.Gln1163Lys; replaces glutamine 1163 with lysine.
Molecular consequence: missense variant.
Genome position (GRCh38, 1-based): chr18:45,916,104, G>T on the plus strand (C>A on the coding strand, the complement: EPG5 is on the minus strand). VCF-style: chr18-45916104-G-T. GRCh37 (hg19) VCF-style: chr18-43496069-G-T.
Other names: short protein forms Q1163K.
Identifiers: ClinVar variation 1468029 (VCV001468029.5), dbSNP rs759405296, ClinGen allele CA8949156.

ClinVar aggregate classification (germline): Uncertain significance (1 of 4 stars; one submission).

Conditions:
Vici syndrome (VICIS). Identifiers: Orphanet 1493, MedGen C1855772, MONDO:0009452, OMIM 242840.

Allele frequency attached by ClinVar (database versions not stated): gnomAD exomes below 0.00001 and 0.00001; ExAC 0.00001.
gnomAD v4.1: 3 of 1,614,184 alleles (0.00019%); highest among the groups gnomAD compares: Non-Finnish European, 0.00025%; no homozygotes.

Submission:

Labcorp Genetics (formerly Invitae), Labcorp
Classification: Uncertain significance for Vici syndrome. Last evaluated: 2021-10-14. Review status: criteria provided, single submitter. Criteria: Invitae Variant Classification Sherloc (09022015). Collection method: clinical testing. Allele origin: germline.
Comment: In summary, the available evidence is currently insufficient to determine the role of this variant in disease. Therefore, it has been classified as a Variant of Uncertain Significance. Algorithms developed to predict the effect of missense changes on protein structure and function are either unavailable or do not agree on the potential impact of this missense change (SIFT: "Tolerated"; PolyPhen-2: "Possibly Damaging"; Align-GVGD: "Class C0"). This variant has not been reported in the literature in individuals affected with EPG5-related conditions. This variant is present in population databases (rs759405296, ExAC 0.002%). This sequence change replaces glutamine with lysine at codon 1163 of the EPG5 protein (p.Gln1163Lys). The glutamine residue is moderately conserved and there is a small physicochemical difference between glutamine and lysine.